The following is an entry in ClinVar:

ClinVar aggregate classification (germline): Likely benign (1 of 4 stars; one submission).

Allele frequency attached by ClinVar (database versions not stated): gnomAD exomes below 0.00001; TOPMed below 0.00001; gnomAD 0.00001.
gnomAD v4.1: 7 of 1,577,748 alleles (0.00044%); highest among the groups gnomAD compares: Non-Finnish European, 0.00026%; no homozygotes.

Submission:

GeneDx
Classification: Likely benign. Last evaluated: 2017-07-21. Review status: criteria provided, single submitter. Criteria: GeneDx Variant Classification (06012015). Collection method: clinical testing. Allele origin: germline. Affected: yes.
Comment: This variant is considered likely benign or benign based on one or more of the following criteria: it is a conservative change, it occurs at a poorly conserved position in the protein, it is predicted to be benign by multiple in silico algorithms, and/or has population frequency not consistent with disease.

NM_000501.4(ELN):c.1358-152C>A

Gene: ELN (elastin; plus strand). Cytogenetic location: 7q11.23.
Variant type: single nucleotide variant.
Coding change: c.1358-152C>A on transcript NM_000501.4 (MANE Select); 152 bases into the intron before coding-DNA position 1358, C replaced by A.
Molecular consequence: intron variant.
Genome position (GRCh38, 1-based): chr7:74,057,488, C>A. VCF-style: chr7-74057488-C-A. GRCh37 (hg19) VCF-style: chr7-73471818-C-A.
Other names: c.1373-152C>A (NM_001081754.3); c.1372+775C>A (NM_001081753.3); c.1444+20C>A (NM_001278939.2); c.1358-152C>A (NM_001278915.2, NM_001278912.2); c.1357+775C>A (NM_001081755.3); c.1315+775C>A (NM_001278916.2); c.1171+775C>A (NM_001278913.2); c.1342+775C>A (NM_001278914.2); and 3 more.
Identifiers: ClinVar variation 510903 (VCV000510903.1), dbSNP rs1337377263, ClinGen allele CA658796944.